The following is an entry in ClinVar:

ClinVar aggregate classification (germline): Uncertain significance (1 of 4 stars; one submission).

Conditions:
Oocyte maturation defect 2 (OZEMA2). Also called: OOCYTE/ZYGOTE/EMBRYO MATURATION ARREST 2. Identifiers: MedGen C4225210, MONDO:0021573, OMIM 616780.

gnomAD v4.1: 13 of 1,555,828 alleles (0.00084%); highest among the groups gnomAD compares: East Asian, 0.019%; 1 homozygote.

Submission:

Juno Genomics, Hangzhou Juno Genomics, Inc
Classification: Uncertain significance for Oocyte maturation defect 2. Review status: criteria provided, single submitter. Criteria: ACMG Guidelines, 2015. Collection method: clinical testing. Allele origin: germline. Affected: yes.
Comment: Absent from controls (or at extremely low frequency if recessive) in Genome Aggregation Database.;Missense variant in a gene that has a low rate of benign missense variation.;Patient's phenotype or family history is highly specific for a disease with a single genetic etiology.

NM_177987.3(TUBB8):c.82C>T (p.His28Tyr)

Gene: TUBB8 (tubulin beta 8 class VIII; minus strand). Cytogenetic location: 10p15.3.
Variant type: single nucleotide variant.
Coding change: c.82C>T on transcript NM_177987.3 (MANE Select); coding-DNA position 82, C replaced by T.
Protein change: p.His28Tyr; replaces histidine 28 with tyrosine.
Molecular consequence: missense variant. On other transcripts: 5 prime UTR variant (2).
Genome position (GRCh38, 1-based): chr10:48,888, G>A on the plus strand (C>T on the coding strand, the complement: TUBB8 is on the minus strand). VCF-style: chr10-48888-G-A. GRCh37 (hg19) VCF-style: chr10-94828-G-A.
Other names: c.-135C>T (NM_001389618.1, NM_001389619.1); short protein forms H28Y.
Identifiers: ClinVar variation 5019921 (VCV005019921.1).